The following is an entry in ClinVar:

ClinVar aggregate classification (germline): Uncertain significance. Review status: criteria provided, multiple submitters, no conflicts (2 of 4 stars). 4 submissions from 4 submitters: Uncertain significance (4). Last evaluated 2025-10-01.

Conditions:
Juvenile polyposis syndrome (JPS). Identifiers: Orphanet 2929, MedGen C0345893, MONDO:0017380, OMIM 174900.
Familial thoracic aortic aneurysm and aortic dissection (TAAD). Also called: Thoracic aortic aneurysms and dissections. Identifiers: Orphanet 91387, MedGen C4707243, MONDO:0019625.
Hereditary cancer-predisposing syndrome. Also called: Hereditary neoplastic syndrome; Neoplastic Syndromes, Hereditary; Hereditary Cancer Syndrome; Tumor predisposition. Identifiers: Orphanet 140162, MedGen C0027672, MeSH D009386, MONDO:0015356.

Allele frequency attached by ClinVar (database versions not stated): ExAC 0.00001; gnomAD 0.00001; 1000 Genomes Project 0.00020; 1000 Genomes Project 30x 0.00031.
gnomAD v4.1: 1 of 1,613,616 alleles (0.000062%); highest among the groups gnomAD compares: Admixed American, 0.0017%; no homozygotes.

Submissions (4):

CeGaT Center for Human Genetics Tuebingen
Classification: Uncertain significance. Last evaluated: 2025-10-01. Review status: criteria provided, single submitter. Criteria: CeGaT Center For Human Genetics Tuebingen Variant Classification Criteria Version 2. Collection method: clinical testing. Allele origin: germline. Affected: yes. Observed: 1 variant allele.
Comment: SMAD4: PM2, PP2, PP3

Ambry Genetics
Classification: Uncertain significance for Hereditary cancer-predisposing syndrome; Familial thoracic aortic aneurysm and aortic dissection. Last evaluated: 2025-04-29. Review status: criteria provided, single submitter. Criteria: Ambry Variant Classification Scheme 2023. Collection method: clinical testing. Allele origin: germline.
Comment: The p.N468S variant (also known as c.1403A>G), located in coding exon 10 of the SMAD4 gene, results from an A to G substitution at nucleotide position 1403. The asparagine at codon 468 is replaced by serine, an amino acid with highly similar properties. This amino acid position is highly conserved in available vertebrate species. In addition, the in silico prediction for this alteration is inconclusive. Based on the available evidence, the clinical significance of this variant remains unclear.

Labcorp Genetics (formerly Invitae), Labcorp
Classification: Uncertain significance for Juvenile polyposis syndrome. Last evaluated: 2022-10-23. Review status: criteria provided, single submitter. Criteria: Invitae Variant Classification Sherloc (09022015). Collection method: clinical testing. Allele origin: germline.
Comment: This sequence change replaces asparagine, which is neutral and polar, with serine, which is neutral and polar, at codon 468 of the SMAD4 protein (p.Asn468Ser). This variant is present in population databases (rs569981255, gnomAD 0.003%). This variant has not been reported in the literature in individuals affected with SMAD4-related conditions. ClinVar contains an entry for this variant (Variation ID: 486453). Algorithms developed to predict the effect of missense changes on protein structure and function (SIFT, PolyPhen-2, Align-GVGD) all suggest that this variant is likely to be tolerated. In summary, the available evidence is currently insufficient to determine the role of this variant in disease. Therefore, it has been classified as a Variant of Uncertain Significance.

Color Diagnostics, LLC DBA Color Health
Classification: Uncertain significance for Hereditary cancer-predisposing syndrome. Last evaluated: 2020-02-24. Review status: criteria provided, single submitter. Criteria: ACMG Guidelines, 2015. Collection method: clinical testing. Allele origin: germline.
Comment: This missense variant replaces asparagine with serine at codon 468 of the SMAD4 protein. Computational prediction is inconclusive regarding the impact of this variant on protein structure and function (internally defined REVEL score threshold 0.5 < inconclusive < 0.7, PMID: 27666373). Splice site prediction tools suggest that this variant may not impact RNA splicing. To our knowledge, functional studies have not been performed for this variant. This variant has not been reported in individuals affected with hereditary cancer in the literature. This variant has not been identified in the general population by the Genome Aggregation Database (gnomAD). The available evidence is insufficient to determine the role of this variant in disease conclusively. Therefore, this variant is classified as a Variant of Uncertain Significance.

NM_005359.6(SMAD4):c.1403A>G (p.Asn468Ser)

Gene: SMAD4 (SMAD family member 4; plus strand). Cytogenetic location: 18q21.2.
Variant type: single nucleotide variant.
Coding change: c.1403A>G on transcript NM_005359.6 (MANE Select); coding-DNA position 1403, A replaced by G.
Protein change: p.Asn468Ser; replaces asparagine 468 with serine.
Molecular consequence: missense variant.
Genome position (GRCh38, 1-based): chr18:51,076,732, A>G. VCF-style: chr18-51076732-A-G. GRCh37 (hg19) VCF-style: chr18-48603102-A-G.
Other names: short protein forms N468S.
Identifiers: ClinVar variation 486453 (VCV000486453.25), dbSNP rs569981255, ClinGen allele CA8966058.